The following is an entry in ClinVar:

ClinVar aggregate classification (germline): Pathogenic (1 of 4 stars; one submission).

Conditions:
Granulomatous disease, chronic, autosomal recessive, cytochrome b-positive, type 2. Also called: GRANULOMATOUS DISEASE, CHRONIC, AUTOSOMAL RECESSIVE, 2; Chronic granulomatous disease due to deficiency of NCF-2; GRANULOMATOUS DISEASE, CHRONIC, DUE TO NCF2 DEFICIENCY; Chronic Granulomatous Disease, Autosomal Recessive, Cytochrome b-Positive, Type II; CGD, AUTOSOMAL RECESSIVE CYTOCHROME b-POSITIVE, TYPE II. Identifiers: Orphanet 379, MedGen C1856245, MONDO:0009310, OMIM 233710.

Submission:

Labcorp Genetics (formerly Invitae), Labcorp
Classification: Pathogenic for Granulomatous disease, chronic, autosomal recessive, cytochrome b-positive, type 2. Last evaluated: 2023-10-16. Review status: criteria provided, single submitter. Criteria: Invitae Variant Classification Sherloc (09022015). Collection method: clinical testing. Allele origin: germline.
Comment: This sequence change creates a premature translational stop signal (p.Glu343Lysfs*2) in the NCF2 gene. It is expected to result in an absent or disrupted protein product. Loss-of-function variants in NCF2 are known to be pathogenic (PMID: 10498624, 20167518). This variant is not present in population databases (gnomAD no frequency). This variant has not been reported in the literature in individuals affected with NCF2-related conditions. Algorithms developed to predict the effect of sequence changes on RNA splicing suggest that this variant may disrupt the consensus splice site. For these reasons, this variant has been classified as Pathogenic.

Literature cited by the submitters: PubMed 10498624; PubMed 20167518.

NC_000001.11:g.183563586del

Gene: NCF2 (neutrophil cytosolic factor 2; minus strand). Cytogenetic location: 1q25.3.
Variant type: Deletion.
Genome position: GRCh38 VCF-style: chr1-183563584-TC-T. GRCh37 (hg19) VCF-style: chr1-183532719-TC-T.
Identifiers: ClinVar variation 2769198 (VCV002769198.3), dbSNP rs2527911315, ClinGen allele CA2697554752.